The following is an entry in ClinVar:

ClinVar aggregate classification (germline): Likely pathogenic (1 of 4 stars; one submission).

Conditions:
Menkes kinky-hair syndrome (MNK). Also called: Copper transport disease; Classic Menkes Disease; Menkes Disease. Identifiers: Orphanet 565, MedGen C0022716, MONDO:0010651, OMIM 309400.

Submission:

Myriad Genetics, Inc.
Classification: Likely pathogenic for Menkes kinky-hair syndrome. Last evaluated: 2021-12-17. Review status: criteria provided, single submitter. Criteria: Myriad Autosomal Dominant, Autosomal Recessive and X-Linked Classification Criteria (2023). Collection method: clinical testing. Allele origin: unknown.
Comment: NM_000052.5(ATP7A):c.2051delA(N684Ifs*4) is expected to be pathogenic in the context of ATP7A-related disorders. This variant is predicted to lead to an abnormal or absent protein product due to the creation of a premature termination codon in ATP7A, a gene where loss-of-function variants are known to be pathogenic. Please note: this variant was assessed in the context of healthy population screening.

NM_000052.7(ATP7A):c.2051del (p.Asn684fs)

Gene: ATP7A (ATPase copper transporting alpha; plus strand). Cytogenetic location: Xq21.1.
Variant type: Deletion.
Coding change: c.2051del on transcript NM_000052.7 (MANE Select); coding-DNA position 2051, one base deleted (A; older notation c.2051delA).
Protein change: p.Asn684fs; shifts the reading frame from asparagine 684.
Molecular consequence: frameshift variant.
Genome position (GRCh38, 1-based): chrX:78,011,553, A deleted; the last of 2 consecutive A bases (chrX:78,011,552-78,011,553); deleting either gives the same sequence. VCF-style (leftmost placement, unchanged base first): chrX-78011551-TA-T. GRCh37 (hg19) VCF-style: chrX-77267048-TA-T.
Other names: c.2051del, p.Asn684fs (NM_001282224.2); short protein forms N684fs.
Identifiers: ClinVar variation 1726452 (VCV001726452.3), dbSNP rs2522350125, ClinGen allele CA2580101491.